The following is an entry in ClinVar:

ClinVar aggregate classification (germline): Likely benign. Review status: criteria provided, multiple submitters, no conflicts (2 of 4 stars). 2 submissions from 2 submitters: Likely benign (2). Last evaluated 2022-12-01.

Allele frequency attached by ClinVar (database versions not stated): TOPMed 0.00003; gnomAD 0.00005; gnomAD exomes 0.00006; ExAC 0.00014; 1000 Genomes Project 0.00060; 1000 Genomes Project 30x 0.00062.
gnomAD v4.1: 103 of 1,614,008 alleles (0.0064%); highest among the groups gnomAD compares: Middle Eastern, 0.017%; no homozygotes.

Submissions (2):

CeGaT Center for Human Genetics Tuebingen
Classification: Likely benign. Last evaluated: 2022-12-01. Review status: criteria provided, single submitter. Criteria: CeGaT Center For Human Genetics Tuebingen Variant Classification Criteria Version 2. Collection method: clinical testing. Allele origin: germline. Affected: yes. Observed: 1 variant allele.
Comment: ZFHX4: BP4, BP7

Blueprint Genetics
Classification: Likely benign. Last evaluated: 2022-05-26. Review status: criteria provided, single submitter. Criteria: ACMG Guidelines, 2015. Collection method: clinical testing. Allele origin: germline.

NM_024721.5(ZFHX4):c.5118C>T (p.Ala1706=)

Gene: ZFHX4 (zinc finger homeobox 4; plus strand). Cytogenetic location: 8q21.13.
Variant type: single nucleotide variant.
Coding change: c.5118C>T on transcript NM_024721.5 (MANE Select); coding-DNA position 5118, C replaced by T.
Protein change: p.Ala1706=; no amino-acid change (alanine 1706 retained).
Molecular consequence: synonymous variant.
Genome position (GRCh38, 1-based): chr8:76,852,039, C>T. VCF-style: chr8-76852039-C-T. GRCh37 (hg19) VCF-style: chr8-77764275-C-T.
Other names: c.5040C>T, p.Ala1680= (NM_001410934.1).
Identifiers: ClinVar variation 2658666 (VCV002658666.25), dbSNP rs190931587, ClinGen allele CA4787621.
Genomic context (GRCh38, chr8:76,852,039, plus strand): 5'-CCCACCACAGTCACCAGCACAAATTCAGATGCAACTACAGCACGAATTACAACAGCAAGC[C>T]GCATTCTTTCAGCCTCAGTTTCTAAACCCAGCCTTTTTGCCTCATTTTCCTATGACCCCA-3'
Protein context (NP_078997.4, residues 1696-1716): MQLQHELQQQ[Ala1706=]AFFQPQFLNP